The following is an entry in ClinVar:

ClinVar aggregate classification (germline): Likely benign (1 of 4 stars; one submission).

Conditions:
Papillary renal cell carcinoma type 1 (RCCP1). Also called: Renal adenocarcinoma; Renal cell carcinoma 1; Renal cell carcinoma, somatic; RENAL CELL CARCINOMA, PAPILLARY, 1, SOMATIC. Identifiers: Orphanet 47044, MedGen C1336839, OMIM 605074, HP:0011797.

gnomAD v4.1: 1 of 1,613,628 alleles (0.000062%); highest among the groups gnomAD compares: Non-Finnish European, 0.000085%; no homozygotes.

Submission:

Myriad Genetics, Inc.
Classification: Likely benign for Papillary renal cell carcinoma type 1. Last evaluated: 2024-11-07. Review status: criteria provided, single submitter. Criteria: Myriad Autosomal Dominant, Autosomal Recessive and X-Linked Classification Criteria (2023). Collection method: clinical testing. Allele origin: unknown.
Comment: This variant is considered likely benign. This variant is intronic and is not expected to impact mRNA splicing.

NM_000245.4(MET):c.1528-18C>T

Gene: MET (MET proto-oncogene, receptor tyrosine kinase; plus strand). Cytogenetic location: 7q31.2.
Variant type: single nucleotide variant.
Coding change: c.1528-18C>T on transcript NM_000245.4 (MANE Select); 18 bases into the intron before coding-DNA position 1528, C replaced by T.
Molecular consequence: intron variant.
Genome position (GRCh38, 1-based): chr7:116,740,834, C>T. VCF-style: chr7-116740834-C-T. GRCh37 (hg19) VCF-style: chr7-116380888-C-T.
Other names: c.1528-18C>T (NM_001127500.3, NM_001324401.3); c.238-18C>T (NM_001324402.2).
Identifiers: ClinVar variation 3773366 (VCV003773366.1).